The following is an entry in ClinVar:

NM_172362.3(KCNH1):c.1032+1G>A

Gene: KCNH1 (potassium voltage-gated channel subfamily H member 1; minus strand). Cytogenetic location: 1q32.2.
Variant type: single nucleotide variant.
Coding change: c.1032+1G>A on transcript NM_172362.3 (MANE Select); the canonical splice donor site of the intron after coding-DNA position 1032, G replaced by A.
Molecular consequence: splice donor variant. On other transcripts: intron variant (1).
Genome position (GRCh38, 1-based): chr1:211,018,782, C>T on the plus strand (G>A on the coding strand, the complement: KCNH1 is on the minus strand). VCF-style: chr1-211018782-C-T. GRCh37 (hg19) VCF-style: chr1-211192124-C-T.
Other names: c.951+82G>A (NM_002238.4).
Identifiers: ClinVar variation 2637216 (VCV002637216.4), dbSNP rs754183146, ClinGen allele CA1379936.

ClinVar aggregate classification (germline): Uncertain significance. Review status: criteria provided, multiple submitters, no conflicts (2 of 4 stars). 3 submissions from 3 submitters: Uncertain significance (3). Last evaluated 2025-12-03.

Conditions:
KCNH1-related disorder. Also called: KCNH1-related disorders; KCNH1-related condition.

Allele frequency attached by ClinVar (database versions not stated): ExAC 0.00001.
gnomAD v4.1: 6 of 1,596,176 alleles (0.00038%); highest among the groups gnomAD compares: Non-Finnish European, 0.00043%; no homozygotes.

Submissions (3):

Labcorp Genetics (formerly Invitae), Labcorp
Classification: Uncertain significance. Last evaluated: 2025-12-03. Review status: criteria provided, single submitter. Criteria: Invitae Variant Classification Sherloc (09022015). Collection method: clinical testing. Allele origin: germline.
Comment: This sequence change affects a donor splice site in intron 6 of the KCNH1 gene. It is expected to disrupt RNA splicing. Variants that disrupt the donor or acceptor splice site typically lead to a loss of protein function (PMID: 16199547), however the current clinical and genetic evidence is not sufficient to establish whether loss-of-function variants in KCNH1 cause disease. This variant is present in population databases (rs754183146, gnomAD 0.0009%). This variant has not been reported in the literature in individuals affected with KCNH1-related conditions. Disruption of this splice site has been observed in at least one individual who was not affected with KCNH1-related conditions (internal data). ClinVar contains an entry for this variant (Variation ID: 2637216). In summary, the available evidence is currently insufficient to determine the role of this variant in disease. Therefore, it has been classified as a Variant of Uncertain Significance.

Dasa
Classification: Uncertain significance. Last evaluated: 2025-11-24. Review status: criteria provided, single submitter. Criteria: DASA Assertion Criteria. Collection method: clinical testing. Allele origin: germline.
Comment: NM_172362.3(KCNH1):c.1032+1G>A affects a canonical splice site and is predicted to disrupt normal RNA splicing. This variant is rare in population databases. The currently available literature and clinical evidence are not sufficient to establish a definitive association between this variant and the reported condition. Therefore, this variant is classified as a variant of uncertain significance.

PreventionGenetics, part of Exact Sciences
Classification: Uncertain significance for KCNH1-related condition. Last evaluated: 2023-07-03. Review status: criteria provided, single submitter. Criteria: ACMG Guidelines, 2015. Collection method: clinical testing. Allele origin: germline.
Comment: The KCNH1 c.1032+1G>A variant is predicted to disrupt the GT donor site and interfere with normal splicing. To our knowledge, this variant has not been reported in the literature. This variant is reported in 0.00092% of alleles in individuals of European (Non-Finnish) descent in gnomAD. At this time, the clinical significance of this variant is uncertain due to the absence of conclusive functional and genetic evidence.

Literature cited by the submitters: PubMed 16199547 (cited by Labcorp Genetics (formerly Invitae), Labcorp).